The following is an entry in ClinVar:

NM_001369369.1(FOXN1):c.1672C>T (p.Pro558Ser)

Gene: FOXN1 (forkhead box N1; plus strand). Cytogenetic location: 17q11.2.
Variant type: single nucleotide variant.
Coding change: c.1672C>T on transcript NM_001369369.1 (MANE Select); coding-DNA position 1672, C replaced by T.
Protein change: p.Pro558Ser; replaces proline 558 with serine.
Molecular consequence: missense variant.
Genome position (GRCh38, 1-based): chr17:28,537,161, C>T. VCF-style: chr17-28537161-C-T. GRCh37 (hg19) VCF-style: chr17-26864179-C-T.
Other names: c.1672C>T, p.Pro558Ser (NM_003593.3); short protein forms P558S.
Identifiers: ClinVar variation 4620266 (VCV004620266.2).
Genomic context (GRCh38, chr17:28,537,161, plus strand): 5'-CTCCTTCCCCATCTAGGAAACCTGTGGGAACAGTTGAAGGATGATAGCTTGGCCCTCGAC[C>T]CCCTGGTACTGGTGACCTCATCCCCGACATCATCTTCGATGCCACCACCCCAGCCACCAC-3'
Protein context (NP_001356298.1, residues 548-568): QLKDDSLALD[Pro558Ser]LVLVTSSPTS

ClinVar aggregate classification (germline): Uncertain significance. Review status: criteria provided, multiple submitters, no conflicts (2 of 4 stars). 2 submissions from 2 submitters: Uncertain significance (2). Last evaluated 2026-01-30.

Conditions:
Inborn genetic diseases. Identifiers: MedGen C0950123, MeSH D030342.
T-cell immunodeficiency, congenital alopecia, and nail dystrophy. Also called: Congenital alopecia and nail dystrophy associated with severe functional T-cell immunodeficiency; Pignata Guarino syndrome. Identifiers: Orphanet 169095, MedGen C1866426, MONDO:0011132, OMIM 601705.

Submissions (2):

Labcorp Genetics (formerly Invitae), Labcorp
Classification: Uncertain significance for T-cell immunodeficiency, congenital alopecia, and nail dystrophy. Last evaluated: 2026-01-30. Review status: criteria provided, single submitter. Criteria: Invitae Variant Classification Sherloc (09022015). Collection method: clinical testing. Allele origin: germline.
Comment: This sequence change replaces proline, which is neutral and non-polar, with serine, which is neutral and polar, at codon 558 of the FOXN1 protein (p.Pro558Ser). This variant is not present in population databases (gnomAD no frequency). This variant has not been reported in the literature in individuals affected with FOXN1-related conditions. Invitae Evidence Modeling of protein sequence and biophysical properties (such as structural, functional, and spatial information, amino acid conservation, physicochemical variation, residue mobility, and thermodynamic stability) indicates that this missense variant is not expected to disrupt FOXN1 protein function with a negative predictive value of 80%. In summary, the available evidence is currently insufficient to determine the role of this variant in disease. Therefore, it has been classified as a Variant of Uncertain Significance.

Ambry Genetics
Classification: Uncertain significance for Inborn genetic diseases. Last evaluated: 2025-11-25. Review status: criteria provided, single submitter. Criteria: Ambry Variant Classification Scheme 2023. Collection method: clinical testing. Allele origin: germline.